The following is an entry in ClinVar:

ClinVar aggregate classification (germline): Pathogenic (1 of 4 stars; one submission).

Conditions:
Spondyloenchondrodysplasia with immune dysregulation (SPENCDI). Also called: ROIFMAN IMMUNOSKELETAL SYNDROME; COMBINED IMMUNODEFICIENCY WITH AUTOIMMUNITY AND SPONDYLOMETAPHYSEAL DYSPLASIA; SPONDYLOENCHONDRODYSPLASIA WITH OR WITHOUT IMMUNE DYSREGULATION. Identifiers: Orphanet 1855, MedGen C1842763, MONDO:0011939, OMIM 607944.

Submission:

Labcorp Genetics (formerly Invitae), Labcorp
Classification: Pathogenic for Spondyloenchondrodysplasia with immune dysregulation. Last evaluated: 2022-12-02. Review status: criteria provided, single submitter. Criteria: Invitae Variant Classification Sherloc (09022015). Collection method: clinical testing. Allele origin: germline.
Comment: This variant is not present in population databases (gnomAD no frequency). This variant has not been reported in the literature in individuals affected with ACP5-related conditions. This sequence change creates a premature translational stop signal (p.Ser210Profs*48) in the ACP5 gene. While this is not anticipated to result in nonsense mediated decay, it is expected to disrupt the last 116 amino acid(s) of the ACP5 protein. For these reasons, this variant has been classified as Pathogenic. This variant disrupts a region of the ACP5 protein in which other variant(s) (p.Asp241Asn) have been determined to be pathogenic (PMID: 21217755, 32214327; Invitae). This suggests that this is a clinically significant region of the protein, and that variants that disrupt it are likely to be disease-causing.

Literature cited by the submitters: PubMed 21217755; PubMed 32214327.

NM_001611.5(ACP5):c.628_634delinsCCTACC (p.Ser210fs)

Gene: ACP5 (acid phosphatase 5, tartrate resistant; minus strand). Cytogenetic location: 19p13.2.
Variant type: Indel.
Coding change: c.628_634delinsCCTACC on transcript NM_001611.5 (MANE Select); coding-DNA positions 628 to 634, TCCATAG replaced by CCTACC.
Protein change: p.Ser210fs; shifts the reading frame from serine 210.
Molecular consequence: frameshift variant.
Genome position (GRCh38, 1-based): chr19:11,576,344-11,576,350, CTATGGA replaced by GGTAGG on the plus strand (TCCATAG replaced by CCTACC on the coding strand, the reverse complement: ACP5 is on the minus strand). VCF-style: chr19-11576344-CTATGGA-GGTAGG. GRCh37 (hg19) VCF-style: chr19-11687159-CTATGGA-GGTAGG.
Other names: c.628_634delinsCCTACC, p.Ser210fs (NM_001111034.3, NM_001111035.3, NM_001111036.3 and 1 more transcripts); short protein forms S210fs.
Identifiers: ClinVar variation 2110138 (VCV002110138.4), dbSNP rs2512725950, ClinGen allele CA2580096449.
Genomic context (GRCh38, chr19:11,576,344, plus strand): 5'-CGTATGTGGCCAGCAGTGGCCGTAGCTGCTTGACCAGGCAGTGGGTAGGCCCGTGCTCGG[CTATGGA>GGTAGG]CCACACGGGGTAGTGGCCAGCCACCAGCACGTAGTCCTCCCTGGCCGCCGCCAGCTGTTT-3'